The following is an entry in ClinVar:

NM_024301.5(FKRP):c.-39-16C>T

Gene: FKRP (fukutin related protein; plus strand). Cytogenetic location: 19q13.32.
Variant type: single nucleotide variant.
Coding change: c.-39-16C>T on transcript NM_024301.5 (MANE Select); 16 bases into the intron before 39 bases upstream of the start codon, C replaced by T.
Molecular consequence: intron variant.
Genome position (GRCh38, 1-based): chr19:46,755,396, C>T. VCF-style: chr19-46755396-C-T. GRCh37 (hg19) VCF-style: chr19-47258653-C-T.
Other names: c.-39-16C>T (NM_001039885.3).
Identifiers: ClinVar variation 387858 (VCV000387858.1), dbSNP rs115257841, ClinGen allele CA16607852.

ClinVar aggregate classification (germline): Likely benign (1 of 4 stars; one submission).

Allele frequency attached by ClinVar (database versions not stated): gnomAD 0.00317 and 0.00333; TOPMed 0.00338; 1000 Genomes Project 0.00439; 1000 Genomes Project 30x 0.00453.
gnomAD v4.1: 916 of 1,510,244 alleles (0.061%); highest among the groups gnomAD compares: African/African-American, 1.1%; 8 homozygotes.

Submission:

GeneDx
Classification: Likely benign. Last evaluated: 2017-10-18. Review status: criteria provided, single submitter. Criteria: GeneDx Variant Classification (06012015). Collection method: clinical testing. Allele origin: germline. Affected: yes.
Comment: This variant is considered likely benign or benign based on one or more of the following criteria: it is a conservative change, it occurs at a poorly conserved position in the protein, it is predicted to be benign by multiple in silico algorithms, and/or has population frequency not consistent with disease.